The following is an entry in ClinVar:

NM_001352514.2(HLCS):c.469G>T (p.Gly157Ter)

Gene: HLCS (holocarboxylase synthetase; minus strand). Cytogenetic location: 21q22.13.
Variant type: single nucleotide variant.
Coding change: c.469G>T on transcript NM_001352514.2 (MANE Select); coding-DNA position 469, G replaced by T.
Protein change: p.Gly157Ter; replaces glycine 157 with a stop codon.
Molecular consequence: nonsense. On other transcripts: non-coding transcript variant (2).
Genome position (GRCh38, 1-based): chr21:36,938,856, C>A on the plus strand (G>T on the coding strand, the complement: HLCS is on the minus strand). VCF-style: chr21-36938856-C-A. GRCh37 (hg19) VCF-style: chr21-38311156-C-A.
Other names: c.28G>T, p.Gly10Ter (NM_000411.8, NM_001242784.3, NM_001242785.2 and 4 more transcripts); short protein forms G10*, G157*.
Identifiers: ClinVar variation 5003410 (VCV005003410.1).

ClinVar aggregate classification (germline): Uncertain significance (1 of 4 stars; one submission).

Conditions:
Holocarboxylase synthetase deficiency. Also called: MULTIPLE CARBOXYLASE DEFICIENCY, EARLY ONSET. Identifiers: Orphanet 79242, MedGen C0268581, MONDO:0009666, OMIM 253270.

Submission:

Myriad Genetics, Inc.
Classification: Uncertain significance for Holocarboxylase synthetase deficiency. Last evaluated: 2025-09-03. Review status: criteria provided, single submitter. Criteria: Myriad Autosomal Dominant, Autosomal Recessive and X-Linked Classification Criteria (2023). Collection method: clinical testing. Allele origin: unknown.
Comment: NM_000411.6(HLCS):c.28G>T(G10*) is a nonsense variant classified as a variant of uncertain significance in the context of holocarboxylase synthetase deficiency. G10* has not been observed in cases with relevant disease. Relevant functional assessments of this variant are not available in the literature. G10* has not been observed in referenced population frequency databases. In summary, there is insufficient evidence to classify NM_000411.6(HLCS):c.28G>T(G10*) as pathogenic or benign. Please note: this variant was assessed in the context of healthy population screening.